The following is an entry in ClinVar:

ClinVar aggregate classification (germline): Uncertain significance (1 of 4 stars; one submission).

Conditions:
Long QT syndrome (LQTS). Identifiers: MedGen C0023976, MeSH D008133, MONDO:0002442. Disease mechanism: loss of function. Inheritance: Various modes of inheritance.

Allele frequency attached by ClinVar (database versions not stated): gnomAD exomes below 0.00001; ExAC 0.00002.
gnomAD v4.1: 7 of 1,614,114 alleles (0.00043%); highest among the groups gnomAD compares: Non-Finnish European, 0.00059%; no homozygotes.

Submission:

Labcorp Genetics (formerly Invitae), Labcorp
Classification: Uncertain significance for Long QT syndrome. Last evaluated: 2019-06-14. Review status: criteria provided, single submitter. Criteria: Invitae Variant Classification Sherloc (09022015). Collection method: clinical testing. Allele origin: germline.
Comment: This sequence change replaces glutamic acid with lysine at codon 2157 of the ANK2 protein (p.Glu2157Lys). The glutamic acid residue is weakly conserved and there is a small physicochemical difference between glutamic acid and lysine. This variant is present in population databases (rs763973483, ExAC 0.003%). This variant has not been reported in the literature in individuals with ANK2-related conditions. Algorithms developed to predict the effect of missense changes on protein structure and function are either unavailable or do not agree on the potential impact of this missense change (SIFT: "Tolerated"; PolyPhen-2: "Probably Damaging"; Align-GVGD: "Class C0"). In summary, the available evidence is currently insufficient to determine the role of this variant in disease. Therefore, it has been classified as a Variant of Uncertain Significance.

NM_001148.6(ANK2):c.6469G>A (p.Glu2157Lys)

Gene: ANK2 (ankyrin 2; plus strand). Cytogenetic location: 4q26.
Variant type: single nucleotide variant.
Coding change: c.6469G>A on transcript NM_001148.6 (MANE Select); coding-DNA position 6469, G replaced by A.
Protein change: p.Glu2157Lys; replaces glutamic acid 2157 with lysine.
Molecular consequence: missense variant. On other transcripts: intron variant (68).
Genome position (GRCh38, 1-based): chr4:113,355,087, G>A. VCF-style: chr4-113355087-G-A. GRCh37 (hg19) VCF-style: chr4-114276243-G-A.
Other names: c.6235G>A, p.Glu2079Lys (NM_001386142.1); c.2869G>A, p.Glu957Lys (NM_001386166.1); c.6610G>A, p.Glu2204Lys (NM_001386174.1); c.6586G>A, p.Glu2196Lys (NM_001386175.1); c.4411+4838G>A (NM_001386186.2, NM_001386148.2); c.4213+4838G>A (NM_001354269.3); c.4291+4838G>A (NM_001386187.2); c.4252+4838G>A (NM_001386147.1); and 35 more; short protein forms E2157K, E2079K, E2196K, E2204K, E957K.
Identifiers: ClinVar variation 952214 (VCV000952214.6), dbSNP rs763973483, ClinGen allele CA3051418.